The following is an entry in ClinVar:

NM_001166108.2(PALLD):c.1965-12939A>C

Gene: PALLD (palladin, cytoskeletal associated protein; plus strand). Cytogenetic location: 4q32.3.
Variant type: single nucleotide variant.
Coding change: c.1965-12939A>C on transcript NM_001166108.2 (MANE Select); 12939 bases into the intron before coding-DNA position 1965, A replaced by C.
Molecular consequence: intron variant. On other transcripts: missense variant (1).
Genome position (GRCh38, 1-based): chr4:168,877,983, A>C. VCF-style: chr4-168877983-A-C. GRCh37 (hg19) VCF-style: chr4-169799134-A-C.
Other names: c.92A>C, p.Asn31Thr (NM_001166110.2); c.1965-12939A>C (NM_016081.4); c.819-12939A>C (NM_001166109.2); c.-157-12939A>C (NM_001367570.1, NM_001367568.1, NM_001367567.1 and 1 more transcripts); short protein forms N31T.
Identifiers: ClinVar variation 1766467 (VCV001766467.2), dbSNP rs2533433903, ClinGen allele CA358794988.

ClinVar aggregate classification (germline): Uncertain significance (1 of 4 stars; one submission).

Submission:

Ambry Genetics
Classification: Uncertain significance. Last evaluated: 2021-12-10. Review status: criteria provided, single submitter. Criteria: Ambry Variant Classification Scheme 2023. Collection method: clinical testing. Allele origin: germline.
Comment: The p.N31T variant (also known as c.92A>C), located in coding exon 1 of the PALLD gene, results from an A to C substitution at nucleotide position 92. The asparagine at codon 31 is replaced by threonine, an amino acid with similar properties. This amino acid position is conserved. In addition, this alteration is predicted to be tolerated by in silico analysis. Since supporting evidence is limited at this time, the clinical significance of this alteration remains unclear.